The following is an entry in ClinVar:

ClinVar aggregate classification (germline): Uncertain significance (1 of 4 stars; one submission).

Conditions:
Hereditary cancer-predisposing syndrome. Also called: Neoplastic Syndromes, Hereditary; Tumor predisposition; Hereditary Cancer Syndrome; Hereditary neoplastic syndrome. Identifiers: Orphanet 140162, MedGen C0027672, MeSH D009386, MONDO:0015356.

Submission:

Ambry Genetics
Classification: Uncertain significance for Hereditary cancer-predisposing syndrome. Last evaluated: 2026-04-08. Review status: criteria provided, single submitter. Criteria: Ambry Variant Classification Scheme 2023. Collection method: clinical testing. Allele origin: germline.
Comment: The p.I205L variant (also known as c.613A>T), located in coding exon 7 of the CDC73 gene, results from an A to T substitution at nucleotide position 613. The isoleucine at codon 205 is replaced by leucine, an amino acid with highly similar properties. This amino acid position is conserved. In addition, the in silico prediction for this alteration is inconclusive. Based on the available evidence, the clinical significance of this variant remains unclear.

NM_024529.5(CDC73):c.613A>T (p.Ile205Leu)

Gene: CDC73 (cell division cycle 73; plus strand). Cytogenetic location: 1q31.2.
Variant type: single nucleotide variant.
Coding change: c.613A>T on transcript NM_024529.5 (MANE Select); coding-DNA position 613, A replaced by T.
Protein change: p.Ile205Leu; replaces isoleucine 205 with leucine.
Molecular consequence: missense variant.
Genome position (GRCh38, 1-based): chr1:193,141,950, A>T. VCF-style: chr1-193141950-A-T. GRCh37 (hg19) VCF-style: chr1-193111080-A-T.
Other names: short protein forms I205L.
Identifiers: ClinVar variation 4868355 (VCV004868355.1).